The following is an entry in ClinVar:

ClinVar aggregate classification (germline): Uncertain significance (1 of 4 stars; one submission).

Allele frequency attached by ClinVar (database versions not stated): TOPMed below 0.00001; ExAC 0.00002; gnomAD exomes 0.00002.
gnomAD v4.1: 27 of 1,613,880 alleles (0.0017%); highest among the groups gnomAD compares: Non-Finnish European, 0.002%; no homozygotes.

Submission:

Labcorp Genetics (formerly Invitae), Labcorp
Classification: Uncertain significance. Last evaluated: 2023-10-31. Review status: criteria provided, single submitter. Criteria: Invitae Variant Classification Sherloc (09022015). Collection method: clinical testing. Allele origin: germline.
Comment: This sequence change replaces arginine, which is basic and polar, with glutamine, which is neutral and polar, at codon 1553 of the CHD8 protein (p.Arg1553Gln). This variant is present in population databases (rs778747213, gnomAD 0.01%). This variant has not been reported in the literature in individuals affected with CHD8-related conditions. Advanced modeling of protein sequence and biophysical properties (such as structural, functional, and spatial information, amino acid conservation, physicochemical variation, residue mobility, and thermodynamic stability) performed at Invitae indicates that this missense variant is not expected to disrupt CHD8 protein function with a negative predictive value of 80%. In summary, the available evidence is currently insufficient to determine the role of this variant in disease. Therefore, it has been classified as a Variant of Uncertain Significance.

NM_001170629.2(CHD8):c.4658G>A (p.Arg1553Gln)

Gene: CHD8 (chromodomain helicase DNA binding protein 8; minus strand). Cytogenetic location: 14q11.2.
Variant type: single nucleotide variant.
Coding change: c.4658G>A on transcript NM_001170629.2 (MANE Select); coding-DNA position 4658, G replaced by A.
Protein change: p.Arg1553Gln; replaces arginine 1553 with glutamine.
Molecular consequence: missense variant.
Genome position (GRCh38, 1-based): chr14:21,400,220, C>T on the plus strand (G>A on the coding strand, the complement: CHD8 is on the minus strand). VCF-style: chr14-21400220-C-T. GRCh37 (hg19) VCF-style: chr14-21868379-C-T.
Other names: c.3821G>A, p.Arg1274Gln (NM_020920.4); short protein forms R1553Q, R1274Q.
Identifiers: ClinVar variation 2892051 (VCV002892051.3), dbSNP rs778747213, ClinGen allele CA7091173.
Genomic context (GRCh38, chr14:21,400,220, plus strand): 5'-TGATGTTTCAAGTGCTTCTTATAACTTTCATCTTGGAACAAAGTGTCAGGGTTATATTTC[C>T]GGATCCAATCTGCCTTATGGATATCAAAAGTGCTTTGTGACTTTACTTTTTTTCCTTTGC-3'
Protein context (NP_001164100.1, residues 1543-1563): TFDIHKADWI[Arg1553Gln]KYNPDTLFQD